The following is an entry in ClinVar:

NM_001385641.1(SAMD11):c.2315_2317del (p.Phe772del)

Gene: SAMD11 (sterile alpha motif domain containing 11; plus strand). Cytogenetic location: 1p36.33.
Variant type: Deletion.
Coding change: c.2315_2317del on transcript NM_001385641.1 (MANE Select); coding-DNA positions 2315 to 2317, 3 bases deleted (TCT; older notation c.2315_2317delTCT).
Protein change: p.Phe772del; deletes phenylalanine 772.
Molecular consequence: inframe deletion.
Genome position (GRCh38, 1-based): chr1:943,933-943,935, TCT deleted; deleting any 3 consecutive bases within chr1:943,932-943,935 gives the same sequence; the c. name uses the placement nearest the transcript's 3' end. VCF-style (leftmost placement, unchanged base first): chr1-943931-TTTC-T. GRCh37 (hg19) VCF-style: chr1-879311-TTTC-T.
Other names: c.2318_2320del, p.Phe773del (NM_001385640.1); c.1826_1828del, p.Phe609del (NM_152486.4); short protein forms F609del, F772del, F773del.
Identifiers: ClinVar variation 961975 (VCV000961975.9), dbSNP rs1641988621, ClinGen allele CA1139655464.

ClinVar aggregate classification (germline): Uncertain significance (1 of 4 stars; one submission).

Submission:

Labcorp Genetics (formerly Invitae), Labcorp
Classification: Uncertain significance. Last evaluated: 2020-02-22. Review status: criteria provided, single submitter. Criteria: Invitae Variant Classification Sherloc (09022015). Collection method: clinical testing. Allele origin: germline.
Comment: This variant has not been reported in the literature in individuals with SAMD11-related conditions. In summary, the available evidence is currently insufficient to determine the role of this variant in disease. Therefore, it has been classified as a Variant of Uncertain Significance. Experimental studies and prediction algorithms are not available or were not evaluated for this variant, and the functional significance of this variant is currently unknown. This variant is not present in population databases (ExAC no frequency). This variant, c.1826_1828del, results in the deletion of 1 amino acid(s) of the SAMD11 protein (p.Phe609del), but otherwise preserves the integrity of the reading frame.